The following is an entry in ClinVar:

ClinVar aggregate classification (germline): Conflicting classifications of pathogenicity. Review status: criteria provided, conflicting classifications (1 of 4 stars). 3 submissions from 3 submitters: Uncertain significance (2); Likely benign (1). Last evaluated 2025-12-11.

Conditions:
Cardiomyopathy (CMYO). Also called: Cardiomyopathies. Identifiers: Orphanet 167848, MedGen C0878544, MONDO:0004994, HP:0001638. Inheritance: Various modes of inheritance.

Allele frequency attached by ClinVar (database versions not stated): ExAC 0.00001; gnomAD exomes 0.00001.
gnomAD v4.1: 11 of 1,612,902 alleles (0.00068%); highest among the groups gnomAD compares: Admixed American, 0.0017%; no homozygotes.

Submissions (3):

GeneDx
Classification: Uncertain significance. Last evaluated: 2025-12-11. Review status: criteria provided, single submitter. Criteria: GeneDx Variant Classification Process June 2021. Collection method: clinical testing. Allele origin: germline.
Comment: Not observed at significant frequency in large population cohorts (gnomAD); Missense variant in a gene in which most reported pathogenic variants are truncating/loss of function; This variant is associated with the following publications: (PMID: 32880476, 37198425)

Molecular Diagnostic Laboratory for Inherited Cardiovascular Disease, Montreal Heart Institute
Classification: Likely benign. Last evaluated: 2025-04-09. Review status: criteria provided, single submitter. Criteria: ACMG Guidelines, 2015. Collection method: clinical testing. Allele origin: germline. Affected: no.

CHEO Genetics Diagnostic Laboratory, Children's Hospital of Eastern Ontario
Classification: Uncertain significance for Cardiomyopathy. Last evaluated: 2018-07-06. Review status: criteria provided, single submitter. Criteria: ACMG Guidelines, 2015. Collection method: clinical testing. Allele origin: germline.

NM_001267550.2(TTN):c.63379C>T (p.Arg21127Cys)

Genes: TTN (titin; minus strand), TTN-AS1 (TTN antisense RNA 1; plus strand). Cytogenetic location: 2q31.2.
Variant type: single nucleotide variant.
Coding change: c.63379C>T on transcript NM_001267550.2 (MANE Select); coding-DNA position 63379, C replaced by T.
Protein change: p.Arg21127Cys; replaces arginine 21127 with cysteine.
Molecular consequence: missense variant.
Genome position (GRCh38, 1-based): chr2:178,588,028, G>A on the plus strand (C>T on the coding strand, the complement: TTN is on the minus strand). VCF-style: chr2-178588028-G-A. GRCh37 (hg19) VCF-style: chr2-179452755-G-A.
Other names: c.58456C>T, p.Arg19486Cys (NM_001256850.1); c.36184C>T, p.Arg12062Cys (NM_003319.4); c.55675C>T, p.Arg18559Cys (NM_133378.4); c.36559C>T, p.Arg12187Cys (NM_133432.3); c.36760C>T, p.Arg12254Cys (NM_133437.4); c.63379C>T (NM_001267550.1); short protein forms R12062C, R18559C, R12187C, R19486C, R12254C, R21127C.
Identifiers: ClinVar variation 915694 (VCV000915694.5), dbSNP rs751590336, ClinGen allele CA1992096.
Genomic context (GRCh38, chr2:178,588,028, plus strand): 5'-CACACACCCTGAACTCATATTCCTGGTTTTCATCCAAGCTGGTAACAGTGAATTCCTTGC[G>A]TACAAGCTGTGCTGCAGCATTACACCGTTTCCAGCCTTCATCAGGAGACGCATCTGCTAT-3'
Protein context (NP_001254479.2, residues 21117-21137): KRCNAAAQLV[Arg21127Cys]KEFTVTSLDE